The following is an entry in ClinVar:

NM_170665.4(ATP2A2):c.2984_2987dup (p.Cys997fs)

Gene: ATP2A2 (ATPase sarcoplasmic/endoplasmic reticulum Ca2+ transporting 2; plus strand). Cytogenetic location: 12q24.11.
Variant type: Duplication.
Coding change: c.2984_2987dup on transcript NM_170665.4 (MANE Select); coding-DNA positions 2984 to 2987, 4 bases duplicated (AAGA; older notation c.2984_2987dupAAGA).
Protein change: p.Cys997fs; shifts the reading frame from cysteine 997.
Molecular consequence: frameshift variant. On other transcripts: intron variant (1).
Genome position (GRCh38, 1-based): chr12:110,346,325-110,346,328, AAGA duplicated; duplicating any 4 consecutive bases within chr12:110,346,324-110,346,328 gives the same sequence; the c. name uses the placement nearest the transcript's 3' end. VCF-style (leftmost placement, unchanged base first): chr12-110346323-T-TAAAG. GRCh37 (hg19) VCF-style: chr12-110784128-T-TAAAG.
Other names: c.2980+4_2980+7dup (NM_001681.4); short protein forms C997fs.
Identifiers: ClinVar variation 422635 (VCV000422635.2), dbSNP rs1555285354, ClinGen allele CA16619433.

ClinVar aggregate classification (germline): Likely pathogenic (1 of 4 stars; one submission).

Submission:

GeneDx
Classification: Likely pathogenic. Last evaluated: 2016-10-26. Review status: criteria provided, single submitter. Criteria: GeneDx Variant Classification (06012015). Collection method: clinical testing. Allele origin: germline. Affected: yes.
Comment: The c.2984_2987dupAAGA variant in the ATP2A2 gene causes a frameshift starting with codon Cysteine 997, changes this amino acid to a Arginine residue and creates a premature Stop codon at position 36 of the new reading frame, denoted p.Cys997ArgfsX36. This variant is predicted to cause loss of normal protein function, as the last 46 amino acids are replaced by 35 aberrant amino acids. In addition this variant was not observed in in approximately 6,500 individuals of European and African American ancestry in the NHLBI Exome Sequencing Project. Therefore, this variant is likely pathogenic; however, the possibility that it is benign cannot be excluded.